The following is an entry in ClinVar:

NM_001303256.3(MORC2):c.1366A>G (p.Ile456Val)

Gene: MORC2 (MORC family CW-type zinc finger 2; minus strand). Cytogenetic location: 22q12.2.
Variant type: single nucleotide variant.
Coding change: c.1366A>G on transcript NM_001303256.3 (MANE Select); coding-DNA position 1366, A replaced by G.
Protein change: p.Ile456Val; replaces isoleucine 456 with valine.
Molecular consequence: missense variant.
Genome position (GRCh38, 1-based): chr22:30,937,818, T>C on the plus strand (A>G on the coding strand, the complement: MORC2 is on the minus strand). VCF-style: chr22-30937818-T-C. GRCh37 (hg19) VCF-style: chr22-31333805-T-C.
Other names: c.1366A>G, p.Ile456Val (NM_001303257.2); c.1180A>G, p.Ile394Val (NM_014941.3); short protein forms I394V, I456V.
Identifiers: ClinVar variation 1345809 (VCV001345809.6), dbSNP rs1237819801, ClinGen allele CA411238597.
Genomic context (GRCh38, chr22:30,937,818, plus strand): 5'-TCTCCCTACATTCAGGTGAAGAGAAAAGGCAGAGGCCCAGCAGCCCAGCCCCATTACCGA[T>C]GGCAATATCCTTCCAATACTGCGCCAGGTGCTCCCCCATTGCTCGGAGCAGGTGCCGGTA-3'
Protein context (NP_001290185.1, residues 446-466): HLAQYWKDIA[Ile456Val]AQRGIIKFWD

ClinVar aggregate classification (germline): Uncertain significance (1 of 4 stars; one submission).

Conditions:
Charcot-Marie-Tooth disease axonal type 2Z. Also called: CHARCOT-MARIE-TOOTH DISEASE, AXONAL, AUTOSOMAL DOMINANT, TYPE 2Z; CHARCOT-MARIE-TOOTH NEUROPATHY, TYPE 2Z. Identifiers: Orphanet 466768, MedGen C5569025, MONDO:0014736, OMIM 616688.

Allele frequency attached by ClinVar (database versions not stated): gnomAD exomes below 0.00001.
gnomAD v4.1: 7 of 1,614,142 alleles (0.00043%); highest among the groups gnomAD compares: Non-Finnish European, 0.00059%; no homozygotes.

Submission:

Labcorp Genetics (formerly Invitae), Labcorp
Classification: Uncertain significance for Charcot-Marie-Tooth disease axonal type 2Z. Last evaluated: 2021-08-27. Review status: criteria provided, single submitter. Criteria: Invitae Variant Classification Sherloc (09022015). Collection method: clinical testing. Allele origin: germline.
Comment: This sequence change replaces isoleucine with valine at codon 456 of the MORC2 protein (p.Ile456Val). The isoleucine residue is highly conserved and there is a small physicochemical difference between isoleucine and valine. This variant is not present in population databases (ExAC no frequency). This variant has not been reported in the literature in individuals affected with MORC2-related conditions. Experimental studies and prediction algorithms are not available or were not evaluated, and the functional significance of this variant is currently unknown. In summary, the available evidence is currently insufficient to determine the role of this variant in disease. Therefore, it has been classified as a Variant of Uncertain Significance.